The following is an entry in ClinVar:

NM_015294.6(TRIM37):c.1765G>A (p.Gly589Ser)

Gene: TRIM37 (tripartite motif containing 37; minus strand). Cytogenetic location: 17q22.
Variant type: single nucleotide variant.
Coding change: c.1765G>A on transcript NM_015294.6 (MANE Select); coding-DNA position 1765, G replaced by A.
Protein change: p.Gly589Ser; replaces glycine 589 with serine.
Molecular consequence: missense variant. On other transcripts: non-coding transcript variant (2).
Genome position (GRCh38, 1-based): chr17:59,032,079, C>T on the plus strand (G>A on the coding strand, the complement: TRIM37 is on the minus strand). VCF-style: chr17-59032079-C-T. GRCh37 (hg19) VCF-style: chr17-57109440-C-T.
Other names: c.1765G>A, p.Gly589Ser (NM_001005207.5, NM_001320988.3, NM_001320989.3 and 1 more transcripts); c.1663G>A, p.Gly555Ser (NM_001320987.3, NM_001353082.2); c.1399G>A, p.Gly467Ser (NM_001320990.3); c.1030G>A, p.Gly344Ser (NM_001353083.2); c.1303G>A, p.Gly435Ser (NM_001353085.2); c.1714G>A, p.Gly572Ser (NM_001353086.2); c.1765G>A (NM_015294.3); short protein forms G344S, G435S, G572S, G589S, G467S, G555S.
Identifiers: ClinVar variation 1947251 (VCV001947251.3), dbSNP rs2545284701, ClinGen allele CA400397479.
Genomic context (GRCh38, chr17:59,032,079, plus strand): 5'-TGGTAGCAGCGGAGCATAAATGTGTTCTTCTTGATATTCTACTACTGGAACCCACATAAC[C>T]ATGGCTACTACCTGCAAAAGAGGCGTAGAAAATGATATATATATGCACAAACTTAGCTAT-3'
Protein context (NP_056109.1, residues 579-599): AAAGPAGSSH[Gly589Ser]YVGSSSRISR

ClinVar aggregate classification (germline): Uncertain significance. Review status: criteria provided, multiple submitters, no conflicts (2 of 4 stars). 2 submissions from 2 submitters: Uncertain significance (2). Last evaluated 2025-03-26.

Conditions:
Inborn genetic diseases. Identifiers: MedGen C0950123, MeSH D030342.

Allele frequency attached by ClinVar (database versions not stated): gnomAD exomes below 0.00001.
gnomAD v4.1: 6 of 1,613,780 alleles (0.00037%); highest among the groups gnomAD compares: South Asian, 0.0022%; no homozygotes.

Submissions (2):

Ambry Genetics
Classification: Uncertain significance for Inborn genetic diseases. Last evaluated: 2025-03-26. Review status: criteria provided, single submitter. Criteria: Ambry Variant Classification Scheme 2023. Collection method: clinical testing. Allele origin: germline.

Labcorp Genetics (formerly Invitae), Labcorp
Classification: Uncertain significance. Last evaluated: 2022-05-05. Review status: criteria provided, single submitter. Criteria: Invitae Variant Classification Sherloc (09022015). Collection method: clinical testing. Allele origin: germline.
Comment: This sequence change replaces glycine, which is neutral and non-polar, with serine, which is neutral and polar, at codon 589 of the TRIM37 protein (p.Gly589Ser). This variant is not present in population databases (gnomAD no frequency). This variant has not been reported in the literature in individuals affected with TRIM37-related conditions. Algorithms developed to predict the effect of missense changes on protein structure and function output the following: SIFT: "Not Available"; PolyPhen-2: "Benign"; Align-GVGD: "Not Available". The serine amino acid residue is found in multiple mammalian species, which suggests that this missense change does not adversely affect protein function. In summary, the available evidence is currently insufficient to determine the role of this variant in disease. Therefore, it has been classified as a Variant of Uncertain Significance.